The following is an entry in ClinVar:

NM_005142.3(CBLIF):c.247G>A (p.Asp83Asn)

Gene: CBLIF (cobalamin binding intrinsic factor; minus strand). Cytogenetic location: 11q12.1.
Variant type: single nucleotide variant.
Coding change: c.247G>A on transcript NM_005142.3 (MANE Select); coding-DNA position 247, G replaced by A.
Protein change: p.Asp83Asn; replaces aspartic acid 83 with asparagine.
Molecular consequence: missense variant.
Genome position (GRCh38, 1-based): chr11:59,843,888, C>T on the plus strand (G>A on the coding strand, the complement: CBLIF is on the minus strand). VCF-style: chr11-59843888-C-T. GRCh37 (hg19) VCF-style: chr11-59611361-C-T.
Other names: short protein forms D83N.
Identifiers: ClinVar variation 305041 (VCV000305041.16), dbSNP rs115964827, ClinGen allele CA6021647.

ClinVar aggregate classification (germline): Benign/Likely benign. Review status: criteria provided, multiple submitters, no conflicts (2 of 4 stars). 4 submissions from 4 submitters: Benign (3); Likely benign (1). Last evaluated 2025-12-26.

Conditions:
Hereditary intrinsic factor deficiency (IFD). Also called: Congenital intrinsic factor deficiency; PERNICIOUS ANEMIA, CONGENITAL, DUE TO DEFECT OF INTRINSIC FACTOR. Identifiers: Orphanet 332, MedGen C2062370, MONDO:0009852, OMIM 261000.

Allele frequency attached by ClinVar (database versions not stated): gnomAD exomes 0.00060 and 0.00144; ExAC 0.00169; gnomAD 0.00538 and 0.00580; ESP Exome Variant Server 0.00577; TOPMed 0.00622; 1000 Genomes Project 30x 0.00640; 1000 Genomes Project 0.00699.
gnomAD v4.1: 1,750 of 1,612,420 alleles (0.11%); highest among the groups gnomAD compares: African/African-American, 1.9%; 13 homozygotes.

Submissions (4):

Labcorp Genetics (formerly Invitae), Labcorp
Classification: Benign for Hereditary intrinsic factor deficiency. Last evaluated: 2025-12-26. Review status: criteria provided, single submitter. Criteria: Invitae Variant Classification Sherloc (09022015). Collection method: clinical testing. Allele origin: germline.

Blueprint Genetics
Classification: Likely benign. Last evaluated: 2024-10-25. Review status: criteria provided, single submitter. Criteria: ACMG Guidelines, 2015. Collection method: clinical testing. Allele origin: germline.

Illumina Laboratory Services, Illumina
Classification: Benign for Hereditary intrinsic factor deficiency. Last evaluated: 2018-01-12. Review status: criteria provided, single submitter. Criteria: ICSL Variant Classification Criteria 13 December 2019. Collection method: clinical testing. Allele origin: germline.
Comment: This variant was observed in the ICSL laboratory as part of a predisposition screen in an ostensibly healthy population. It had not been previously curated by ICSL or reported in the Human Gene Mutation Database (HGMD: prior to June 1st, 2018), and was therefore a candidate for classification through an automated scoring system. Utilizing variant allele frequency, disease prevalence and penetrance estimates, and inheritance mode, an automated score was calculated to assess if this variant is too frequent to cause the disease. Based on the score and internal cut-off values, a variant classified as benign is not then subjected to further curation. The score for this variant resulted in a classification of benign for this disease.

Breakthrough Genomics
Classification: Benign. Review status: criteria provided, single submitter. Criteria: ACMG Guidelines, 2015. Collection method: not provided. Allele origin: germline. Inheritance: Autosomal recessive inheritance. Affected: yes.